The following is an entry in ClinVar:

ClinVar aggregate classification (germline): Uncertain significance. Review status: criteria provided, multiple submitters, no conflicts (2 of 4 stars). 2 submissions from 2 submitters: Uncertain significance (2). Last evaluated 2022-07-15.

Conditions:
Granulomatous disease, chronic, autosomal recessive, cytochrome b-positive, type 3. Also called: Granulomatous disease, chronic, autosomal recessive, cytochrome b-positive, type III; GRANULOMATOUS DISEASE, CHRONIC, AUTOSOMAL RECESSIVE, 3; CGD, AUTOSOMAL RECESSIVE CYTOCHROME b-POSITIVE, TYPE III; GRANULOMATOUS DISEASE, CHRONIC, DUE TO NCF4 DEFICIENCY. Identifiers: Orphanet 379, MedGen C3151409, MONDO:0013507, OMIM 613960.

Allele frequency attached by ClinVar (database versions not stated): gnomAD 0.00001; TOPMed 0.00002.
gnomAD v4.1: 36 of 1,611,882 alleles (0.0022%); highest among the groups gnomAD compares: Non-Finnish European, 0.0027%; no homozygotes.

Submissions (2):

Labcorp Genetics (formerly Invitae), Labcorp
Classification: Uncertain significance for Granulomatous disease, chronic, autosomal recessive, cytochrome b-positive, type 3. Last evaluated: 2022-07-15. Review status: criteria provided, single submitter. Criteria: Invitae Variant Classification Sherloc (09022015). Collection method: clinical testing. Allele origin: germline.
Comment: In summary, the available evidence is currently insufficient to determine the role of this variant in disease. Therefore, it has been classified as a Variant of Uncertain Significance. Algorithms developed to predict the effect of missense changes on protein structure and function are either unavailable or do not agree on the potential impact of this missense change (SIFT: "Deleterious"; PolyPhen-2: "Benign"; Align-GVGD: "Class C0"). ClinVar contains an entry for this variant (Variation ID: 574446). This variant has not been reported in the literature in individuals affected with NCF4-related conditions. This variant is present in population databases (no rsID available, gnomAD 0.004%). This sequence change replaces arginine, which is basic and polar, with glycine, which is neutral and non-polar, at codon 155 of the NCF4 protein (p.Arg155Gly).

Blueprint Genetics
Classification: Uncertain significance. Last evaluated: 2021-11-02. Review status: criteria provided, single submitter. Criteria: ACMG Guidelines, 2015. Collection method: clinical testing. Allele origin: germline.

NM_000631.5(NCF4):c.463C>G (p.Arg155Gly)

Gene: NCF4 (neutrophil cytosolic factor 4; plus strand). Cytogenetic location: 22q12.3.
Variant type: single nucleotide variant.
Coding change: c.463C>G on transcript NM_000631.5 (MANE Select); coding-DNA position 463, C replaced by G.
Protein change: p.Arg155Gly; replaces arginine 155 with glycine.
Molecular consequence: missense variant.
Genome position (GRCh38, 1-based): chr22:36,870,535, C>G. VCF-style: chr22-36870535-C-G. GRCh37 (hg19) VCF-style: chr22-37266577-C-G.
Other names: c.463C>G, p.Arg155Gly (NM_013416.4); short protein forms R155G.
Identifiers: ClinVar variation 574446 (VCV000574446.8), dbSNP rs758154907, ClinGen allele CA411384078.